The following is an entry in ClinVar:

ClinVar aggregate classification (germline): Likely benign. Review status: criteria provided, multiple submitters, no conflicts (2 of 4 stars). 4 submissions from 4 submitters: Likely benign (3). 1 of the submissions does not count toward it. Last evaluated 2025-12-16.

Conditions:
CUL4B-related disorder. Also called: CUL4B-related condition.
Inborn genetic diseases. Identifiers: MedGen C0950123, MeSH D030342.
X-linked intellectual disability Cabezas type (MRXSC). Also called: MENTAL RETARDATION, X-LINKED, SYNDROMIC 15; CABEZAS SYNDROME; Intellectual developmental disorder, X-linked syndromic, Cabezas type. Identifiers: Orphanet 85289, Orphanet 85293, MedGen C1845861, MONDO:0010306, OMIM 300354.

Submissions (4):

Labcorp Genetics (formerly Invitae), Labcorp
Classification: Likely benign for X-linked intellectual disability Cabezas type. Last evaluated: 2025-12-16. Review status: criteria provided, single submitter. Criteria: Invitae Variant Classification Sherloc (09022015). Collection method: clinical testing. Allele origin: germline.

Ambry Genetics
Classification: Likely benign for Inborn genetic diseases. Last evaluated: 2017-09-06. Review status: criteria provided, single submitter. Criteria: Ambry Variant Classification Scheme 2023. Collection method: clinical testing. Allele origin: germline.

GeneDx
Classification: Likely benign. Last evaluated: 2016-09-01. Review status: criteria provided, single submitter. Criteria: GeneDx Variant Classification (06012015). Collection method: clinical testing. Allele origin: germline. Affected: yes.
Comment: This variant is considered likely benign or benign based on one or more of the following criteria: it is a conservative change, it occurs at a poorly conserved position in the protein, it is predicted to be benign by multiple in silico algorithms, and/or has population frequency not consistent with disease.

PreventionGenetics, part of Exact Sciences
Classification: Uncertain significance for CUL4B-related condition. Last evaluated: 2024-05-02. Review status: no assertion criteria provided. Collection method: clinical testing. Allele origin: germline. Not counted in ClinVar's aggregate classification.
Comment: The CUL4B c.429_431dupCTC variant is predicted to result in an in-frame duplication (p.Ser146dup). This variant was reported in an individual with intellectual disability and additional features consistent with CUL4B-related disease (Tzschach et al 2015. PubMed ID: 25649377). This variant is reported in 0.014% of alleles in individuals of East Asian descent in gnomAD, including three hemizygotes. The gnomAD data suggest it is less likely that this is a pathogenic variant. However, at this time, the clinical significance of this variant is uncertain due to the absence of conclusive functional and genetic evidence.

NM_001079872.2(CUL4B):c.360CTC[7] (p.Ser128dup)

Genes: CUL4B (cullin 4B; minus strand), LOC113845788 (Sharpr-MPRA regulatory region 11856; plus strand). Cytogenetic location: Xq24.
Variant type: Microsatellite.
Coding change: c.360CTC[7] on transcript NM_001079872.2 (MANE Select); seven copies in a row of the 3-base unit CTC starting at c.360; the reference has six copies in a row; one copy, 3 bases duplicated.
Protein change: p.Ser128dup; duplicates serine 128.
Molecular consequence: inframe insertion.
Genome position (GRCh38, 1-based): chrX:120,560,262-120,560,264, GAG duplicated on the plus strand (CTC on the coding strand, the reverse complement: CUL4B is on the minus strand); duplicating any 3 consecutive bases within chrX:120,560,262-120,560,281 gives the same sequence; the position shown is the placement nearest the transcript's 3' end. VCF-style (leftmost placement, unchanged base first): chrX-120560261-T-TGAG. GRCh37 (hg19) VCF-style: chrX-119694116-T-TGAG.
Other names: c.375CTC[7], p.Ser133dup (NM_001330624.2); c.414CTC[7], p.Ser146dup (NM_003588.4); c.429_431dupCTC (NM_003588.3).
Identifiers: ClinVar variation 420582 (VCV000420582.9), dbSNP rs754330779, ClinGen allele CA10505701.